The following is an entry in ClinVar:

ClinVar aggregate classification (germline): Uncertain significance (1 of 4 stars; one submission).

Conditions:
Fibrous dysplasia of jaw (CRBM). Also called: Cherubism. Identifiers: Orphanet 184, MedGen C0008029, MONDO:0007315, OMIM 118400.

gnomAD v4.1: 2 of 1,612,848 alleles (0.00012%); highest among the groups gnomAD compares: African/African-American, 0.0027%; no homozygotes.

Submission:

Labcorp Genetics (formerly Invitae), Labcorp
Classification: Uncertain significance for Fibrous dysplasia of jaw. Last evaluated: 2024-01-25. Review status: criteria provided, single submitter. Criteria: Invitae Variant Classification Sherloc (09022015). Collection method: clinical testing. Allele origin: germline.
Comment: This sequence change replaces glutamic acid, which is acidic and polar, with glutamine, which is neutral and polar, at codon 252 of the SH3BP2 protein (p.Glu252Gln). This variant is present in population databases (no rsID available, gnomAD 0.01%). This variant has not been reported in the literature in individuals affected with SH3BP2-related conditions. Advanced modeling of protein sequence and biophysical properties (such as structural, functional, and spatial information, amino acid conservation, physicochemical variation, residue mobility, and thermodynamic stability) performed at Invitae indicates that this missense variant is not expected to disrupt SH3BP2 protein function with a negative predictive value of 95%. In summary, the available evidence is currently insufficient to determine the role of this variant in disease. Therefore, it has been classified as a Variant of Uncertain Significance.

NM_001122681.2(SH3BP2):c.754G>C (p.Glu252Gln)

Gene: SH3BP2 (SH3 domain binding protein 2; plus strand). Cytogenetic location: 4p16.3.
Variant type: single nucleotide variant.
Coding change: c.754G>C on transcript NM_001122681.2 (MANE Select); coding-DNA position 754, G replaced by C.
Protein change: p.Glu252Gln; replaces glutamic acid 252 with glutamine.
Molecular consequence: missense variant.
Genome position (GRCh38, 1-based): chr4:2,829,660, G>C. VCF-style: chr4-2829660-G-C. GRCh37 (hg19) VCF-style: chr4-2831387-G-C.
Other names: c.838G>C, p.Glu280Gln (NM_001145855.2); c.925G>C, p.Glu309Gln (NM_001145856.2); c.754G>C, p.Glu252Gln (NM_003023.4); short protein forms E252Q, E280Q, E309Q.
Identifiers: ClinVar variation 3607135 (VCV003607135.2).